The following is an entry in ClinVar:

ClinVar aggregate classification (germline): Uncertain significance. Review status: criteria provided, multiple submitters, no conflicts (2 of 4 stars). 2 submissions from 2 submitters: Uncertain significance (2). Last evaluated 2024-06-18.

Allele frequency attached by ClinVar (database versions not stated): gnomAD exomes 0.00001.
gnomAD v4.1: 7 of 1,207,435 alleles (0.00058%); highest among the groups gnomAD compares: East Asian, 0.003%; no homozygotes.

Submissions (2):

Labcorp Genetics (formerly Invitae), Labcorp
Classification: Uncertain significance. Last evaluated: 2024-06-18. Review status: criteria provided, single submitter. Criteria: Invitae Variant Classification Sherloc (09022015). Collection method: clinical testing. Allele origin: germline.
Comment: This sequence change replaces isoleucine, which is neutral and non-polar, with valine, which is neutral and non-polar, at codon 268 of the DDX3X protein (p.Ile268Val). This variant is not present in population databases (gnomAD no frequency). This variant has not been reported in the literature in individuals affected with DDX3X-related conditions. ClinVar contains an entry for this variant (Variation ID: 1329824). Experimental studies and prediction algorithms are not available or were not evaluated, and the functional significance of this variant is currently unknown. In summary, the available evidence is currently insufficient to determine the role of this variant in disease. Therefore, it has been classified as a Variant of Uncertain Significance.

GeneDx
Classification: Uncertain significance. Last evaluated: 2021-06-25. Review status: criteria provided, single submitter. Criteria: GeneDx Variant Classification Process June 2021. Collection method: clinical testing. Allele origin: germline. Affected: yes.
Comment: Has not been previously published as pathogenic or benign to our knowledge; Not observed at significant frequency in large population cohorts (Lek et al., 2016); In silico analysis supports that this missense variant does not alter protein structure/function; This variant is associated with the following publications: (PMID: 27535533)

NM_001356.5(DDX3X):c.802A>G (p.Ile268Val)

Gene: DDX3X (DEAD-box helicase 3 X-linked; plus strand). Cytogenetic location: Xp11.4.
Variant type: single nucleotide variant.
Coding change: c.802A>G on transcript NM_001356.5 (MANE Select); coding-DNA position 802, A replaced by G.
Protein change: p.Ile268Val; replaces isoleucine 268 with valine.
Molecular consequence: missense variant. On other transcripts: non-coding transcript variant (1).
Genome position (GRCh38, 1-based): chrX:41,344,066, A>G. VCF-style: chrX-41344066-A-G. GRCh37 (hg19) VCF-style: chrX-41203319-A-G.
Other names: c.802A>G, p.Ile268Val (NM_001193416.3); c.754A>G, p.Ile252Val (NM_001193417.3); c.244A>G, p.Ile82Val (NM_001363819.1); short protein forms I252V, I268V, I82V.
Identifiers: ClinVar variation 1329824 (VCV001329824.7), dbSNP rs2063889291, ClinGen allele CA412770090.